The following is an entry in ClinVar:

NM_152783.5(D2HGDH):c.1267G>A (p.Gly423Ser)

Gene: D2HGDH (D-2-hydroxyglutarate dehydrogenase; plus strand). Cytogenetic location: 2q37.3.
Variant type: single nucleotide variant.
Coding change: c.1267G>A on transcript NM_152783.5 (MANE Select); coding-DNA position 1267, G replaced by A.
Protein change: p.Gly423Ser; replaces glycine 423 with serine.
Molecular consequence: missense variant. On other transcripts: non-coding transcript variant (1).
Genome position (GRCh38, 1-based): chr2:241,755,975, G>A. VCF-style: chr2-241755975-G-A. GRCh37 (hg19) VCF-style: chr2-242695390-G-A.
Other names: c.1267G>A (NM_152783.3); c.865G>A, p.Gly289Ser (NM_001287249.2); c.706G>A, p.Gly236Ser (NM_001352824.2); short protein forms G423S, G289S, G236S.
Identifiers: ClinVar variation 434890 (VCV000434890.10), dbSNP rs372062694, ClinGen allele CA2222143.

ClinVar aggregate classification (germline): Uncertain significance. Review status: criteria provided, multiple submitters, no conflicts (2 of 4 stars). 4 submissions from 4 submitters: Uncertain significance (4). Last evaluated 2024-01-04.

Conditions:
Inborn genetic diseases. Identifiers: MedGen C0950123, MeSH D030342.

Allele frequency attached by ClinVar (database versions not stated): gnomAD exomes 0.00002; ExAC 0.00003; gnomAD 0.00003 and 0.00004; TOPMed 0.00005; ESP Exome Variant Server 0.00008.
gnomAD v4.1: 30 of 1,604,630 alleles (0.0019%); highest among the groups gnomAD compares: African/African-American, 0.02%; no homozygotes.

Submissions (4):

GeneDx
Classification: Uncertain significance. Last evaluated: 2024-01-04. Review status: criteria provided, single submitter. Criteria: GeneDx Variant Classification Process June 2021. Collection method: clinical testing. Allele origin: germline. Affected: yes.
Comment: In silico analysis supports that this missense variant has a deleterious effect on protein structure/function; Has not been previously published as pathogenic or benign to our knowledge

Blueprint Genetics
Classification: Uncertain significance. Last evaluated: 2021-08-23. Review status: criteria provided, single submitter. Criteria: ACMG Guidelines, 2015. Collection method: clinical testing. Allele origin: germline.

Ambry Genetics
Classification: Uncertain significance for Inborn genetic diseases. Last evaluated: 2021-07-14. Review status: criteria provided, single submitter. Criteria: Ambry Variant Classification Scheme 2023. Collection method: clinical testing. Allele origin: germline.

Genetic Services Laboratory, University of Chicago
Classification: Uncertain significance. Last evaluated: 2016-12-18. Review status: criteria provided, single submitter. Criteria: ACMG Guidelines, 2015. Collection method: clinical testing. Allele origin: germline. Affected: no.